The following is an entry in ClinVar:

ClinVar aggregate classification (germline): Uncertain significance. Review status: criteria provided, multiple submitters, no conflicts (2 of 4 stars). 2 submissions from 2 submitters: Uncertain significance (2). Last evaluated 2024-09-12.

gnomAD v4.1: 106 of 699,208 alleles (0.015%); highest among the groups gnomAD compares: East Asian, 0.035%; no homozygotes.

Submissions (2):

Blueprint Genetics
Classification: Uncertain significance. Last evaluated: 2024-09-12. Review status: criteria provided, single submitter. Criteria: ACMG Guidelines, 2015. Collection method: clinical testing. Allele origin: germline.

Labcorp Genetics (formerly Invitae), Labcorp
Classification: Uncertain significance. Last evaluated: 2022-09-27. Review status: criteria provided, single submitter. Criteria: Invitae Variant Classification Sherloc (09022015). Collection method: clinical testing. Allele origin: germline.
Comment: This variant occurs in the RNU4ATAC gene, which encodes an RNA molecule that does not result in a protein product. This variant is present in population databases (no rsID available, gnomAD 0.09%). This variant has not been reported in the literature in individuals affected with RNU4ATAC-related conditions. ClinVar contains an entry for this variant (Variation ID: 1516356). This variant is located within the 5' stem-loop region of the RNU4ATAC RNA, which includes the 15.5K binding site and is important for spliceosome assembly (PMID: 32628740). A significant number of disease-associated RNU4ATAC variants are found in this region (PMID: 32628740, 30368667). In summary, the available evidence is currently insufficient to determine the role of this variant in disease. Therefore, it has been classified as a Variant of Uncertain Significance.

Literature cited by the submitters: PubMed 32628740 (cited by Labcorp Genetics (formerly Invitae), Labcorp); PubMed 30368667 (cited by Labcorp Genetics (formerly Invitae), Labcorp).

NC_000002.12:g.121530915T>G

Genes: CLASP1 (cytoplasmic linker associated protein 1; minus strand), CLASP1-AS1 (CLASP1 antisense RNA 1; plus strand), RNU4ATAC (RNA, U4atac small nuclear; plus strand). Cytogenetic location: 2q14.2.
Variant type: single nucleotide variant.
Molecular consequence: intron variant (on NM_001395891.1).
Genome position: GRCh38 VCF-style: chr2-121530915-T-G. GRCh37 (hg19) VCF-style: chr2-122288491-T-G.
Other names: c.196-590A>C (NM_001142274.2, NM_015282.3, NM_001378003.1 and 5 more transcripts).
Identifiers: ClinVar variation 1516356 (VCV001516356.6), dbSNP rs1048449886, ClinGen allele CA54810822.
Genomic context (GRCh38, chr2:121,530,915, plus strand): 5'-TTGCAGCCCAGGGACTTTCTATTATAACCATCCTTTTCTTGGGGTTGCGCTACTGTCCAA[T>G]GAGCGCATAGTGAGGGCAGTACTGCTAACGCCTGAACAACACACCCGCATCAACTAGAGC-3'